The following is an entry in ClinVar:

ClinVar aggregate classification (germline): Benign/Likely benign. Review status: criteria provided, multiple submitters, no conflicts (2 of 4 stars). 9 submissions from 9 submitters: Benign (2); Likely benign (5). 2 of the submissions do not count toward it. Last evaluated 2025-12-22.

Conditions:
BARD1-related disorder. Also called: BARD1-related condition.
Hereditary cancer-predisposing syndrome. Also called: Tumor predisposition; Hereditary Cancer Syndrome; Hereditary neoplastic syndrome; Neoplastic Syndromes, Hereditary. Identifiers: Orphanet 140162, MedGen C0027672, MeSH D009386, MONDO:0015356.
Familial cancer of breast. Also called: BREAST CANCER, FAMILIAL; Hereditary breast cancer; hereditary breast carcinoma. Identifiers: Orphanet 227535, MedGen C0346153, MONDO:0016419, OMIM 114480. Disease mechanism: loss of function.
Malignant tumor of breast. Also called: Malignant breast neoplasm; Cancer breast. Identifiers: MedGen C0006142, MONDO:0007254. Disease mechanism: loss of function.

Allele frequency attached by ClinVar (database versions not stated): gnomAD 0.00001 and 0.00002; ExAC 0.00002; gnomAD exomes 0.00004 and 0.00010; TOPMed 0.00005.

Submissions (9):

Labcorp Genetics (formerly Invitae), Labcorp
Classification: Likely benign for Familial cancer of breast. Last evaluated: 2025-12-22. Review status: criteria provided, single submitter. Criteria: Invitae Variant Classification Sherloc (09022015). Collection method: clinical testing. Allele origin: germline.

Myriad Genetics, Inc.
Classification: Benign for Familial cancer of breast. Last evaluated: 2024-07-30. Review status: criteria provided, single submitter. Criteria: Myriad Autosomal Dominant, Autosomal Recessive and X-Linked Classification Criteria (2023). Collection method: clinical testing. Allele origin: unknown.
Comment: This variant is considered benign. This variant is a silent/synonymous amino acid change and it is not expected to impact splicing.

Women's Health and Genetics/Laboratory Corporation of America, LabCorp
Classification: Likely benign. Last evaluated: 2022-07-10. Review status: criteria provided, single submitter. Criteria: LabCorp Variant Classification Summary - May 2015. Collection method: clinical testing. Allele origin: germline.

Sema4
Classification: Likely benign for Hereditary cancer-predisposing syndrome. Last evaluated: 2021-12-22. Review status: criteria provided, single submitter. Criteria: Sema4 Curation Guidelines. Collection method: curation. Allele origin: germline.

Color Diagnostics, LLC DBA Color Health
Classification: Likely benign for Hereditary cancer-predisposing syndrome. Last evaluated: 2016-10-11. Review status: criteria provided, single submitter. Criteria: ACMG Guidelines, 2015. Collection method: clinical testing. Allele origin: germline.

Ambry Genetics
Classification: Likely benign for Hereditary cancer-predisposing syndrome. Last evaluated: 2015-06-30. Review status: criteria provided, single submitter. Criteria: Ambry Variant Classification Scheme 2023. Collection method: clinical testing. Allele origin: germline.

GeneDx
Classification: Benign. Last evaluated: 2015-03-03. Review status: criteria provided, single submitter. Criteria: GeneDx Variant Classification Process June 2021. Collection method: clinical testing. Allele origin: germline. Affected: yes.

PreventionGenetics, part of Exact Sciences
Classification: Likely benign for BARD1-related condition. Last evaluated: 2020-12-18. Review status: no assertion criteria provided. Collection method: clinical testing. Allele origin: germline. Not counted in ClinVar's aggregate classification.
Comment: This variant is classified as likely benign based on ACMG/AMP sequence variant interpretation guidelines (Richards et al. 2015 PMID: 25741868, with internal and published modifications).

Department of Pathology and Laboratory Medicine, Sinai Health System
Classification: Uncertain significance for Malignant tumor of breast. Review status: no assertion criteria provided. Collection method: clinical testing. Allele origin: unknown. Affected: yes. Observed: 1 variant allele. Study: The Canadian Open Genetics Repository (COGR). Not counted in ClinVar's aggregate classification.
Comment: The BARD1 p.Arg751= variant was not identified in the literature. The variant was identified in dbSNP (ID: rs750001065) as "With Likely benign allele", and in ClinVar (classified as likely benign by Invitae, Ambry Genetics and Color). The variant was identified in control databases in 10 of 246012 chromosomes at a frequency of 0.00004 (Genome Aggregation Database Feb 27, 2017). The variant was observed in the European population in 10 of 111500 chromosomes (freq: 0.00009); it was not observed in the African, Other, Latino, Ashkenazi Jewish, East Asian, Finnish, or South Asian populations. The p.Arg751= variant is not expected to have clinical significance because it does not result in a change of amino acid and is not located in a known consensus splice site. However, 2 of 4 in silico or computational prediction software programs (SpliceSiteFinder, MaxEntScan, NNSPLICE, GeneSplicer) predict a greater than 10% difference in splicing; this is not very predictive of pathogenicity. In summary, based on the above information, the clinical significance of this variant cannot be determined with certainty at this time. This variant is classified as a variant of uncertain significance.

NM_000465.4(BARD1):c.2253G>T (p.Arg751=)

Gene: BARD1 (BRCA1 associated RING domain 1; minus strand). Cytogenetic location: 2q35.
Variant type: single nucleotide variant.
Coding change: c.2253G>T on transcript NM_000465.4 (MANE Select); coding-DNA position 2253, G replaced by T.
Protein change: p.Arg751=; no amino-acid change (arginine 751 retained).
Molecular consequence: synonymous variant. On other transcripts: non-coding transcript variant (3).
Genome position (GRCh38, 1-based): chr2:214,728,757, C>A on the plus strand (G>T on the coding strand, the complement: BARD1 is on the minus strand). VCF-style: chr2-214728757-C-A. GRCh37 (hg19) VCF-style: chr2-215593481-C-A.
Other names: c.2196G>T, p.Arg732= (NM_001282543.2); c.900G>T, p.Arg300= (NM_001282545.2); c.843G>T, p.Arg281= (NM_001282548.2); c.714G>T, p.Arg238= (NM_001282549.2).
Identifiers: ClinVar variation 183946 (VCV000183946.25), dbSNP rs750001065, ClinGen allele CA187088.
Genomic context (GRCh38, chr2:214,728,757, plus strand): 5'-CTCAAAGGACATCACACAGTCTATAAACCAGCTCGAAGGAGCCTTCCAGACTTTGCCCTG[C>A]CGAACCCTCTCTGGGTGATAATTACACAAATCTTCATAGATGATATACTGTGTGCAGAAG-3'
Protein context (NP_000456.2, residues 741-761): DLCNYHPERV[Arg751=]QGKVWKAPSS